The following is an entry in ClinVar:

NM_015338.6(ASXL1):c.2582C>A (p.Ala861Glu)

Gene: ASXL1 (ASXL transcriptional regulator 1; plus strand). Cytogenetic location: 20q11.21.
Variant type: single nucleotide variant.
Coding change: c.2582C>A on transcript NM_015338.6 (MANE Select); coding-DNA position 2582, C replaced by A.
Protein change: p.Ala861Glu; replaces alanine 861 with glutamic acid.
Molecular consequence: missense variant.
Genome position (GRCh38, 1-based): chr20:32,435,294, C>A. VCF-style: chr20-32435294-C-A. GRCh37 (hg19) VCF-style: chr20-31023097-C-A.
Other names: c.2399C>A, p.Ala800Glu (NM_001363734.1); short protein forms A800E, A861E.
Identifiers: ClinVar variation 3956506 (VCV003956506.1).

ClinVar aggregate classification (germline): Uncertain significance (1 of 4 stars; one submission).

Conditions:
Inborn genetic diseases. Identifiers: MedGen C0950123, MeSH D030342.

gnomAD v4.1: 1 of 1,614,136 alleles (0.000062%); highest among the groups gnomAD compares: Non-Finnish European, 0.000085%; no homozygotes.

Submission:

Ambry Genetics
Classification: Uncertain significance for Inborn genetic diseases. Last evaluated: 2025-04-25. Review status: criteria provided, single submitter. Criteria: Ambry Variant Classification Scheme 2023. Collection method: clinical testing. Allele origin: germline.
Comment: The p.A861E variant (also known as c.2582C>A), located in coding exon 13 of the ASXL1 gene, results from a C to A substitution at nucleotide position 2582. The alanine at codon 861 is replaced by glutamic acid, an amino acid with dissimilar properties. This amino acid position is conserved. In addition, this alteration is predicted to be tolerated by in silico analysis. Based on the available evidence, the clinical significance of this variant remains unclear.